The following is an entry in ClinVar:

ClinVar aggregate classification (germline): Uncertain significance. Review status: criteria provided, multiple submitters, no conflicts (2 of 4 stars). 2 submissions from 2 submitters: Uncertain significance (2). Last evaluated 2024-10-13.

Conditions:
CNTNAP2-related disorder. Also called: CNTNAP2-related condition.
Cortical dysplasia-focal epilepsy syndrome (PTHSL1). Also called: Pitt-Hopkins-like syndrome 1. Identifiers: Orphanet 163681, Orphanet 221150, MedGen C2750246, MONDO:0012400, OMIM 610042.

Allele frequency attached by ClinVar (database versions not stated): gnomAD 0.00001; gnomAD exomes 0.00001 and 0.00003; ExAC 0.00002; TOPMed 0.00002.
gnomAD v4.1: 21 of 1,614,028 alleles (0.0013%); highest among the groups gnomAD compares: South Asian, 0.0033%; no homozygotes.

Submissions (2):

PreventionGenetics, part of Exact Sciences
Classification: Uncertain significance for CNTNAP2-related condition. Last evaluated: 2024-10-13. Review status: criteria provided, single submitter. Criteria: ACMG Guidelines, 2015. Collection method: clinical testing. Allele origin: germline.
Comment: The CNTNAP2 c.3851G>A variant is predicted to result in the amino acid substitution p.Arg1284Gln. To our knowledge, this variant has not been reported in the literature. This variant is reported in 0.0035% of alleles in individuals of European (Non-Finnish) descent in gnomAD. At this time, the clinical significance of this variant is uncertain due to the absence of conclusive functional and genetic evidence.

Labcorp Genetics (formerly Invitae), Labcorp
Classification: Uncertain significance for Cortical dysplasia-focal epilepsy syndrome. Last evaluated: 2023-11-27. Review status: criteria provided, single submitter. Criteria: Invitae Variant Classification Sherloc (09022015). Collection method: clinical testing. Allele origin: germline.
Comment: This sequence change replaces arginine, which is basic and polar, with glutamine, which is neutral and polar, at codon 1284 of the CNTNAP2 protein (p.Arg1284Gln). This variant is present in population databases (rs751307599, gnomAD 0.003%). This variant has not been reported in the literature in individuals affected with CNTNAP2-related conditions. ClinVar contains an entry for this variant (Variation ID: 412003). An algorithm developed to predict the effect of missense changes on protein structure and function (PolyPhen-2) suggests that this variant is likely to be disruptive. In summary, the available evidence is currently insufficient to determine the role of this variant in disease. Therefore, it has been classified as a Variant of Uncertain Significance.

NM_014141.6(CNTNAP2):c.3851G>A (p.Arg1284Gln)

Gene: CNTNAP2 (contactin associated protein 2; plus strand). Cytogenetic location: 7q36.1.
Variant type: single nucleotide variant.
Coding change: c.3851G>A on transcript NM_014141.6 (MANE Select); coding-DNA position 3851, G replaced by A.
Protein change: p.Arg1284Gln; replaces arginine 1284 with glutamine.
Molecular consequence: missense variant.
Genome position (GRCh38, 1-based): chr7:148,415,471, G>A. VCF-style: chr7-148415471-G-A. GRCh37 (hg19) VCF-style: chr7-148112563-G-A.
Other names: short protein forms R1284Q.
Identifiers: ClinVar variation 412003 (VCV000412003.8), dbSNP rs751307599, ClinGen allele CA4546823.